The following is an entry in ClinVar:

ClinVar aggregate classification (germline): Likely benign. Review status: criteria provided, multiple submitters, no conflicts (2 of 4 stars). 3 submissions from 3 submitters: Likely benign (3). Last evaluated 2026-03-01.

Conditions:
Cornelia de Lange syndrome 1 (CDLS1). Also called: TYPUS DEGENERATIVUS AMSTELODAMENSIS; Brachmann de Lange syndrome; NIPBL-Related Cornelia de Lange Syndrome. Identifiers: Orphanet 199, MedGen C4551851, MONDO:0007387, OMIM 122470.

Allele frequency attached by ClinVar (database versions not stated): TOPMed 0.00013.
gnomAD v4.1: 217 of 1,613,506 alleles (0.013%); highest among the groups gnomAD compares: East Asian, 0.033%; no homozygotes.

Submissions (3):

CeGaT Center for Human Genetics Tuebingen
Classification: Likely benign. Last evaluated: 2026-03-01. Review status: criteria provided, single submitter. Criteria: CeGaT Center For Human Genetics Tuebingen Variant Classification Criteria Version 2. Collection method: clinical testing. Allele origin: germline. Affected: yes. Observed: 8 variant alleles.
Comment: NIPBL: BP4, BP7

Labcorp Genetics (formerly Invitae), Labcorp
Classification: Likely benign for Cornelia de Lange syndrome 1. Last evaluated: 2026-02-03. Review status: criteria provided, single submitter. Criteria: Invitae Variant Classification Sherloc (09022015). Collection method: clinical testing. Allele origin: germline.

Blueprint Genetics
Classification: Likely benign. Last evaluated: 2024-10-03. Review status: criteria provided, single submitter. Criteria: ACMG Guidelines, 2015. Collection method: clinical testing. Allele origin: germline.

NM_133433.4(NIPBL):c.834A>G (p.Val278=)

Gene: NIPBL (NIPBL cohesin loading factor; plus strand). Cytogenetic location: 5p13.2.
Variant type: single nucleotide variant.
Coding change: c.834A>G on transcript NM_133433.4 (MANE Select); coding-DNA position 834, A replaced by G.
Protein change: p.Val278=; no amino-acid change (valine 278 retained).
Molecular consequence: synonymous variant.
Genome position (GRCh38, 1-based): chr5:36,972,007, A>G. VCF-style: chr5-36972007-A-G. GRCh37 (hg19) VCF-style: chr5-36972109-A-G.
Other names: c.834A>G, p.Val278= (NM_015384.5).
Identifiers: ClinVar variation 790137 (VCV000790137.44), dbSNP rs377714862, ClinGen allele CA3235934.